The following is an entry in ClinVar:

ClinVar aggregate classification (germline): Uncertain significance (1 of 4 stars; one submission).

Submission:

GeneDx
Classification: Uncertain significance. Last evaluated: 2024-12-04. Review status: criteria provided, single submitter. Criteria: GeneDx Variant Classification Process June 2021. Collection method: clinical testing. Allele origin: germline. Affected: yes.
Comment: Not observed at significant frequency in large population cohorts (gnomAD); In silico analysis indicates that this missense variant does not alter protein structure/function; Has not been previously published as pathogenic or benign to our knowledge

NM_001999.4(FBN2):c.119C>G (p.Pro40Arg)

Gene: FBN2 (fibrillin 2; minus strand). Cytogenetic location: 5q23.3.
Variant type: single nucleotide variant.
Coding change: c.119C>G on transcript NM_001999.4 (MANE Select); coding-DNA position 119, C replaced by G.
Protein change: p.Pro40Arg; replaces proline 40 with arginine.
Molecular consequence: missense variant.
Genome position (GRCh38, 1-based): chr5:128,537,485, G>C on the plus strand (C>G on the coding strand, the complement: FBN2 is on the minus strand). VCF-style: chr5-128537485-G-C. GRCh37 (hg19) VCF-style: chr5-127873178-G-C.
Other names: short protein forms P40R.
Identifiers: ClinVar variation 3901737 (VCV003901737.1).